The following is an entry in ClinVar:

ClinVar aggregate classification (germline): Uncertain significance (1 of 4 stars; one submission).

gnomAD v4.1: 9 of 1,553,962 alleles (0.00058%); highest among the groups gnomAD compares: Middle Eastern, 0.017%; no homozygotes.

Submission:

GeneDx
Classification: Uncertain significance. Last evaluated: 2023-11-01. Review status: criteria provided, single submitter. Criteria: GeneDx Variant Classification Process June 2021. Collection method: clinical testing. Allele origin: germline. Affected: yes.
Comment: Not observed at significant frequency in large population cohorts (gnomAD); In silico analysis supports that this missense variant has a deleterious effect on protein structure/function; Has not been previously published as pathogenic or benign to our knowledge

NM_002168.4(IDH2):c.1022C>T (p.Thr341Met)

Gene: IDH2 (isocitrate dehydrogenase (NADP(+)) 2; minus strand). Cytogenetic location: 15q26.1.
Variant type: single nucleotide variant.
Coding change: c.1022C>T on transcript NM_002168.4 (MANE Select); coding-DNA position 1022, C replaced by T.
Protein change: p.Thr341Met; replaces threonine 341 with methionine.
Molecular consequence: missense variant.
Genome position (GRCh38, 1-based): chr15:90,085,333, G>A on the plus strand (C>T on the coding strand, the complement: IDH2 is on the minus strand). VCF-style: chr15-90085333-G-A. GRCh37 (hg19) VCF-style: chr15-90628565-G-A.
Other names: c.866C>T, p.Thr289Met (NM_001289910.1); c.632C>T, p.Thr211Met (NM_001290114.2); short protein forms T211M, T289M, T341M.
Identifiers: ClinVar variation 3363818 (VCV003363818.1).